The following is an entry in ClinVar:

ClinVar aggregate classification (germline): Uncertain significance. Review status: criteria provided, multiple submitters, no conflicts (2 of 4 stars). 4 submissions from 4 submitters: Uncertain significance (4). Last evaluated 2026-08-19.

Conditions:
MYH6-related disorder. Also called: MYH6-related condition; MYH6-Related Disorders.
Cardiovascular phenotype. Identifiers: MedGen CN230736.
Hypertrophic cardiomyopathy 14. Identifiers: MedGen C2750467, MONDO:0013197, OMIM 613251.

Allele frequency attached by ClinVar (database versions not stated): ExAC 0.00003; gnomAD 0.00003; gnomAD exomes 0.00003; TOPMed 0.00006; ESP Exome Variant Server 0.00008.
gnomAD v4.1: 27 of 1,614,076 alleles (0.0017%); highest among the groups gnomAD compares: African/African-American, 0.015%; no homozygotes.

Submissions (4):

PreventionGenetics, part of Exact Sciences
Classification: Uncertain significance for MYH6-related condition. Last evaluated: 2026-08-19. Review status: criteria provided, single submitter. Criteria: ACMG Guidelines, 2015. Collection method: clinical testing. Allele origin: germline.
Comment: The MYH6 c.5137G>A variant is predicted to result in the amino acid substitution p.Glu1713Lys. This variant has been reported in an individual with left ventricular noncompaction (Hirono et al. 2020. PubMed ID: 32183154; Hirono et al. 2020. PubMed ID: 33309763). This variant is reported in 0.016% of alleles in individuals of African descent in gnomAD. At this time, the clinical significance of this variant is uncertain due to the absence of conclusive functional and genetic evidence.

Labcorp Genetics (formerly Invitae), Labcorp
Classification: Uncertain significance for Hypertrophic cardiomyopathy 14. Last evaluated: 2025-10-19. Review status: criteria provided, single submitter. Criteria: Invitae Variant Classification Sherloc (09022015). Collection method: clinical testing. Allele origin: germline.
Comment: This sequence change replaces glutamic acid, which is acidic and polar, with lysine, which is basic and polar, at codon 1713 of the MYH6 protein (p.Glu1713Lys). This variant is present in population databases (rs369275573, gnomAD 0.02%). This missense change has been observed in individual(s) with left ventricular noncompaction (PMID: 32183154). ClinVar contains an entry for this variant (Variation ID: 263451). Invitae Evidence Modeling of protein sequence and biophysical properties (such as structural, functional, and spatial information, amino acid conservation, physicochemical variation, residue mobility, and thermodynamic stability) indicates that this missense variant is not expected to disrupt MYH6 protein function with a negative predictive value of 80%. In summary, the available evidence is currently insufficient to determine the role of this variant in disease. Therefore, it has been classified as a Variant of Uncertain Significance.

Ambry Genetics
Classification: Uncertain significance for Cardiovascular phenotype. Last evaluated: 2025-05-12. Review status: criteria provided, single submitter. Criteria: Ambry Variant Classification Scheme 2023. Collection method: clinical testing. Allele origin: germline.
Comment: The p.E1713K variant (also known as c.5137G>A), located in coding exon 32 of the MYH6 gene, results from a G to A substitution at nucleotide position 5137. The glutamic acid at codon 1713 is replaced by lysine, an amino acid with similar properties. This variant has been detected in an individual from a left ventricular non-compaction cohort (Hirono K et al. J Clin Med, 2020 Mar;9). This amino acid position is highly conserved in available vertebrate species. In addition, this alteration is predicted to be deleterious by in silico analysis. Since supporting evidence is limited at this time, the clinical significance of this alteration remains unclear.

GeneDx
Classification: Uncertain significance. Last evaluated: 2023-12-15. Review status: criteria provided, single submitter. Criteria: GeneDx Variant Classification Process June 2021. Collection method: clinical testing. Allele origin: germline. Affected: yes.
Comment: In silico analysis supports that this missense variant has a deleterious effect on protein structure/function; This variant is associated with the following publications: (PMID: 35621855, 32183154, 33309763)

Literature cited by the submitters: PubMed 32183154 (cited by Labcorp Genetics (formerly Invitae), Labcorp and Ambry Genetics); PubMed 33309763 (cited by Ambry Genetics).

NM_002471.4(MYH6):c.5137G>A (p.Glu1713Lys)

Genes: MYH6 (myosin heavy chain 6; minus strand), LOC126861896 (BRD4-independent group 4 enhancer GRCh37_chr14:23854904-23856103; plus strand). Cytogenetic location: 14q11.2.
Variant type: single nucleotide variant.
Coding change: c.5137G>A on transcript NM_002471.4 (MANE Select); coding-DNA position 5137, G replaced by A.
Protein change: p.Glu1713Lys; replaces glutamic acid 1713 with lysine.
Molecular consequence: missense variant.
Genome position (GRCh38, 1-based): chr14:23,385,954, C>T on the plus strand (G>A on the coding strand, the complement: MYH6 is on the minus strand). VCF-style: chr14-23385954-C-T. GRCh37 (hg19) VCF-style: chr14-23855163-C-T.
Other names: short protein forms E1713K.
Identifiers: ClinVar variation 263451 (VCV000263451.16), dbSNP rs369275573, ClinGen allele CA7114540.